The following is an entry in ClinVar:

ClinVar aggregate classification (germline): Likely benign (1 of 4 stars; one submission).

Allele frequency attached by ClinVar (database versions not stated): gnomAD exomes 0.00004; ESP Exome Variant Server 0.00008; gnomAD 0.00008; TOPMed 0.00009; ExAC 0.00013.
gnomAD v4.1: 77 of 1,608,246 alleles (0.0048%); highest among the groups gnomAD compares: Admixed American, 0.013%; no homozygotes.

Submission:

CeGaT Center for Human Genetics Tuebingen
Classification: Likely benign. Last evaluated: 2023-11-01. Review status: criteria provided, single submitter. Criteria: CeGaT Center For Human Genetics Tuebingen Variant Classification Criteria Version 2. Collection method: clinical testing. Allele origin: germline. Affected: yes. Observed: 1 variant allele.
Comment: AFF3: BP4

NM_001386135.1(AFF3):c.175-5T>C

Gene: AFF3 (ALF transcription elongation factor 3; minus strand). Cytogenetic location: 2q11.2.
Variant type: single nucleotide variant.
Coding change: c.175-5T>C on transcript NM_001386135.1 (MANE Select); 5 bases into the intron before coding-DNA position 175, T replaced by C.
Molecular consequence: intron variant.
Genome position (GRCh38, 1-based): chr2:100,007,465, A>G on the plus strand (T>C on the coding strand, the complement: AFF3 is on the minus strand). VCF-style: chr2-100007465-A-G. GRCh37 (hg19) VCF-style: chr2-100623927-A-G.
Other names: c.175-5T>C (NM_002285.3); c.250-5T>C (NM_001025108.2).
Identifiers: ClinVar variation 2672824 (VCV002672824.23), dbSNP rs371800750, ClinGen allele CA1801560.